The following is an entry in ClinVar:

ClinVar aggregate classification (germline): Uncertain significance (1 of 4 stars; one submission).

Submission:

GeneDx
Classification: Uncertain significance. Last evaluated: 2024-10-28. Review status: criteria provided, single submitter. Criteria: GeneDx Variant Classification Process June 2021. Collection method: clinical testing. Allele origin: germline. Affected: yes.
Comment: Not observed at significant frequency in large population cohorts (gnomAD); In silico analysis indicates that this missense variant does not alter protein structure/function; Has not been previously published as pathogenic or benign to our knowledge

NM_000474.4(TWIST1):c.281G>T (p.Ser94Ile)

Gene: TWIST1 (twist family bHLH transcription factor 1; minus strand). Cytogenetic location: 7p21.1.
Variant type: single nucleotide variant.
Coding change: c.281G>T on transcript NM_000474.4 (MANE Select); coding-DNA position 281, G replaced by T.
Protein change: p.Ser94Ile; replaces serine 94 with isoleucine.
Molecular consequence: missense variant. On other transcripts: non-coding transcript variant (1).
Genome position (GRCh38, 1-based): chr7:19,117,041, C>A on the plus strand (G>T on the coding strand, the complement: TWIST1 is on the minus strand). VCF-style: chr7-19117041-C-A. GRCh37 (hg19) VCF-style: chr7-19156664-C-A.
Other names: short protein forms S94I.
Identifiers: ClinVar variation 3897383 (VCV003897383.1).